The following is an entry in ClinVar:

NM_001127208.3(TET2):c.2468T>C (p.Met823Thr)

Genes: TET2 (tet methylcytosine dioxygenase 2; plus strand), TET2-AS1 (TET2 antisense RNA 1; minus strand). Cytogenetic location: 4q24.
Variant type: single nucleotide variant.
Coding change: c.2468T>C on transcript NM_001127208.3 (MANE Select); coding-DNA position 2468, T replaced by C.
Protein change: p.Met823Thr; replaces methionine 823 with threonine.
Molecular consequence: missense variant.
Genome position (GRCh38, 1-based): chr4:105,236,410, T>C. VCF-style: chr4-105236410-T-C. GRCh37 (hg19) VCF-style: chr4-106157567-T-C.
Other names: c.2468T>C, p.Met823Thr (NM_017628.4); short protein forms M823T.
Identifiers: ClinVar variation 3967522 (VCV003967522.1).
Genomic context (GRCh38, chr4:105,236,410, plus strand): 5'-AAATGGGACTGGAGGAAGTACAGAATATAAATCGTAGAAATTCCCCTTATAGTCAGACCA[T>C]GAAATCAAGTGCATGCAAAATACAGGTTTCTTGTTCAAACAATACACACCTAGTTTCAGA-3'
Protein context (NP_001120680.1, residues 813-833): NRRNSPYSQT[Met823Thr]KSSACKIQVS

ClinVar aggregate classification (germline): Uncertain significance (1 of 4 stars; one submission).

Submission:

Ambry Genetics
Classification: Uncertain significance. Last evaluated: 2025-04-03. Review status: criteria provided, single submitter. Criteria: Ambry Variant Classification Scheme 2023. Collection method: clinical testing. Allele origin: germline.
Comment: The p.M823T variant (also known as c.2468T>C), located in coding exon 1 of the TET2 gene, results from a T to C substitution at nucleotide position 2468. The methionine at codon 823 is replaced by threonine, an amino acid with similar properties. This amino acid position is conserved. In addition, this alteration is predicted to be tolerated by in silico analysis. Based on the available evidence, the clinical significance of this variant remains unclear.